The following is an entry in ClinVar:

ClinVar aggregate classification (germline): Uncertain significance (1 of 4 stars; one submission).

Conditions:
Cardiovascular phenotype. Identifiers: MedGen CN230736.

Allele frequency attached by ClinVar (database versions not stated): gnomAD exomes below 0.00001.
gnomAD v4.1: 2 of 1,613,808 alleles (0.00012%); highest among the groups gnomAD compares: Non-Finnish European, 0.00017%; no homozygotes.

Submission:

Ambry Genetics
Classification: Uncertain significance for Cardiovascular phenotype. Last evaluated: 2022-10-17. Review status: criteria provided, single submitter. Criteria: Ambry Variant Classification Scheme 2023. Collection method: clinical testing. Allele origin: germline.
Comment: The p.K3630N variant (also known as c.10890G>C), located in coding exon 26 of the APOB gene, results from a G to C substitution at nucleotide position 10890. The lysine at codon 3630 is replaced by asparagine, an amino acid with similar properties. This amino acid position is conserved. In addition, this alteration is predicted to be tolerated by in silico analysis. Since supporting evidence is limited at this time, the clinical significance of this alteration remains unclear.

NM_000384.3(APOB):c.10890G>C (p.Lys3630Asn)

Gene: APOB (apolipoprotein B; minus strand). Cytogenetic location: 2p24.1.
Variant type: single nucleotide variant.
Coding change: c.10890G>C on transcript NM_000384.3 (MANE Select); coding-DNA position 10890, G replaced by C.
Protein change: p.Lys3630Asn; replaces lysine 3630 with asparagine.
Molecular consequence: missense variant.
Genome position (GRCh38, 1-based): chr2:21,005,978, C>G on the plus strand (G>C on the coding strand, the complement: APOB is on the minus strand). VCF-style: chr2-21005978-C-G. GRCh37 (hg19) VCF-style: chr2-21228850-C-G.
Other names: short protein forms K3630N.
Identifiers: ClinVar variation 1788304 (VCV001788304.2), dbSNP rs768105768, ClinGen allele CA345984735.